The following is an entry in ClinVar:

ClinVar aggregate classification (germline): Uncertain significance (1 of 4 stars; one submission).

Conditions:
Inborn genetic diseases. Identifiers: MedGen C0950123, MeSH D030342.

Submission:

Ambry Genetics
Classification: Uncertain significance for Inborn genetic diseases. Last evaluated: 2024-11-21. Review status: criteria provided, single submitter. Criteria: Ambry Variant Classification Scheme 2023. Collection method: clinical testing. Allele origin: germline.
Comment: The p.R759T variant (also known as c.2276G>C), located in coding exon 1 of the SAMD9 gene, results from a G to C substitution at nucleotide position 2276. The arginine at codon 759 is replaced by threonine, an amino acid with similar properties. This amino acid position is conserved. In addition, this alteration is predicted to be deleterious by in silico analysis. Based on the available evidence, the clinical significance of this variant remains unclear.

NM_017654.4(SAMD9):c.2276G>C (p.Arg759Thr)

Gene: SAMD9 (sterile alpha motif domain containing 9; minus strand). Cytogenetic location: 7q21.2.
Variant type: single nucleotide variant.
Coding change: c.2276G>C on transcript NM_017654.4 (MANE Select); coding-DNA position 2276, G replaced by C.
Protein change: p.Arg759Thr; replaces arginine 759 with threonine.
Molecular consequence: missense variant.
Genome position (GRCh38, 1-based): chr7:93,103,822, C>G on the plus strand (G>C on the coding strand, the complement: SAMD9 is on the minus strand). VCF-style: chr7-93103822-C-G. GRCh37 (hg19) VCF-style: chr7-92733135-C-G.
Other names: c.2276G>C, p.Arg759Thr (NM_001193307.2); short protein forms R759T.
Identifiers: ClinVar variation 3437012 (VCV003437012.1).